The following is an entry in ClinVar:

NM_000548.5(TSC2):c.5068+6G>A

Gene: TSC2 (TSC complex subunit 2; plus strand). Cytogenetic location: 16p13.3.
Variant type: single nucleotide variant.
Coding change: c.5068+6G>A on transcript NM_000548.5 (MANE Select); 6 bases into the intron after coding-DNA position 5068, G replaced by A.
Molecular consequence: intron variant.
Genome position (GRCh38, 1-based): chr16:2,087,947, G>A. VCF-style: chr16-2087947-G-A. GRCh37 (hg19) VCF-style: chr16-2137948-G-A.
Other names: c.4999+6G>A (NM_001114382.3); c.4939+6G>A (NM_021055.3, NM_001370405.1); c.4870+6G>A (NM_001363528.2); c.4936+6G>A (NM_001370404.1); c.4867+6G>A (NM_001077183.3); c.4759+6G>A (NM_001318827.2); c.4336+6G>A (NM_001318831.2); c.4723+6G>A (NM_001318829.2); and 1 more.
Identifiers: ClinVar variation 936881 (VCV000936881.7), dbSNP rs2091060639, ClinGen allele CA1139664245.
Genomic context (GRCh38, chr16:2,087,947, plus strand): 5'-ATCGTCACCCCGCTGGACTACGAGTGCAACCTGGTGTCCCTGCAGTGCAGGAAAGGTAGG[G>A]CCGGGTGGGGCCCTGCAGTGCAGGAAAGGTAGGGCCGGGTGGGGCCCTGCAGTGTGGCGC-3'

ClinVar aggregate classification (germline): Uncertain significance (1 of 4 stars; one submission).

Conditions:
Tuberous sclerosis 2 (TSC2). Identifiers: Orphanet 805, MedGen C1860707, MONDO:0013199, OMIM 613254.

Submission:

Labcorp Genetics (formerly Invitae), Labcorp
Classification: Uncertain significance for Tuberous sclerosis 2. Last evaluated: 2022-09-01. Review status: criteria provided, single submitter. Criteria: Invitae Variant Classification Sherloc (09022015). Collection method: clinical testing. Allele origin: germline.
Comment: In summary, the available evidence is currently insufficient to determine the role of this variant in disease. Therefore, it has been classified as a Variant of Uncertain Significance. Variants that disrupt the consensus splice site are a relatively common cause of aberrant splicing (PMID: 17576681, 9536098). Algorithms developed to predict the effect of sequence changes on RNA splicing suggest that this variant is not likely to affect RNA splicing. ClinVar contains an entry for this variant (Variation ID: 936881). This variant has not been reported in the literature in individuals affected with TSC2-related conditions. This variant is not present in population databases (gnomAD no frequency). This sequence change falls in intron 39 of the TSC2 gene. It does not directly change the encoded amino acid sequence of the TSC2 protein. It affects a nucleotide within the consensus splice site.

Literature cited by the submitters: PubMed 17576681; PubMed 9536098.